The following is an entry in ClinVar:

NM_033064.5(ATCAY):c.*2692G>A

Gene: ATCAY (ATCAY kinesin light chain interacting caytaxin; plus strand). Cytogenetic location: 19p13.3.
Variant type: single nucleotide variant.
Coding change: c.*2692G>A on transcript NM_033064.5 (MANE Select); 2692 bases downstream of the stop codon, G replaced by A.
Molecular consequence: 3 prime UTR variant.
Genome position (GRCh38, 1-based): chr19:3,927,284, G>A. VCF-style: chr19-3927284-G-A. GRCh37 (hg19) VCF-style: chr19-3927282-G-A.
Identifiers: ClinVar variation 894040 (VCV000894040.5), dbSNP rs117794052, ClinGen allele CA304406289.

ClinVar aggregate classification (germline): Likely benign. Review status: criteria provided, multiple submitters, no conflicts (2 of 4 stars). 2 submissions from 2 submitters: Likely benign (2). Last evaluated 2018-01-13.

Conditions:
Cayman type cerebellar ataxia. Also called: Cayman ataxia. Identifiers: Orphanet 94122, MedGen C1832585, MONDO:0011025, OMIM 601238.

Allele frequency attached by ClinVar (database versions not stated): 1000 Genomes Project 30x 0.00453; 1000 Genomes Project 0.00459; gnomAD 0.00866 and 0.00870; TOPMed 0.00870; gnomAD exomes 0.02830.
gnomAD v4.1: 1,308 of 152,382 alleles (0.86%); highest among the groups gnomAD compares: Non-Finnish European, 1.4%; 12 homozygotes.

Submissions (2):

Illumina Laboratory Services, Illumina
Classification: Likely benign for Cayman type cerebellar ataxia. Last evaluated: 2018-01-13. Review status: criteria provided, single submitter. Criteria: ICSL Variant Classification Criteria 13 December 2019. Collection method: clinical testing. Allele origin: germline.
Comment: This variant was observed in the ICSL laboratory as part of a predisposition screen in an ostensibly healthy population. It had not been previously curated by ICSL or reported in the Human Gene Mutation Database (HGMD: prior to June 1st, 2018), and was therefore a candidate for classification through an automated scoring system. Utilizing variant allele frequency, disease prevalence and penetrance estimates, and inheritance mode, an automated score was calculated to assess if this variant is too frequent to cause the disease. Based on the score and internal cut-off values, a variant classified as likely benign is not then subjected to further curation. The score for this variant resulted in a classification of likely benign for this disease.

Breakthrough Genomics
Classification: Likely benign. Review status: criteria provided, single submitter. Criteria: ACMG Guidelines, 2015. Collection method: not provided. Allele origin: germline. Inheritance: Autosomal recessive inheritance. Affected: yes.